The following is an entry in ClinVar:

NM_022455.5(NSD1):c.661G>T (p.Ala221Ser)

Gene: NSD1 (nuclear receptor binding SET domain protein 1; plus strand). Cytogenetic location: 5q35.3.
Variant type: single nucleotide variant.
Coding change: c.661G>T on transcript NM_022455.5 (MANE Select); coding-DNA position 661, G replaced by T.
Protein change: p.Ala221Ser; replaces alanine 221 with serine.
Molecular consequence: missense variant. On other transcripts: intron variant (8).
Genome position (GRCh38, 1-based): chr5:177,135,764, G>T. VCF-style: chr5-177135764-G-T. GRCh37 (hg19) VCF-style: chr5-176562765-G-T.
Other names: c.418-177G>T (NM_001409304.1); c.-36-177G>T (NM_001409305.1, NM_001409306.1, NM_001409308.1 and 4 more transcripts); c.661G>T, p.Ala221Ser (NM_001409301.1, NM_001409302.1, NM_001409303.1); short protein forms A221S.
Identifiers: ClinVar variation 1719540 (VCV001719540.6), dbSNP rs2149756648, ClinGen allele CA362295063.

ClinVar aggregate classification (germline): Uncertain significance (1 of 4 stars; one submission).

Submission:

Labcorp Genetics (formerly Invitae), Labcorp
Classification: Uncertain significance. Last evaluated: 2022-09-19. Review status: criteria provided, single submitter. Criteria: Invitae Variant Classification Sherloc (09022015). Collection method: clinical testing. Allele origin: germline.
Comment: In summary, the available evidence is currently insufficient to determine the role of this variant in disease. Therefore, it has been classified as a Variant of Uncertain Significance. Advanced modeling of protein sequence and biophysical properties (such as structural, functional, and spatial information, amino acid conservation, physicochemical variation, residue mobility, and thermodynamic stability) performed at Invitae indicates that this missense variant is not expected to disrupt NSD1 protein function. This variant has not been reported in the literature in individuals affected with NSD1-related conditions. This variant is not present in population databases (gnomAD no frequency). This sequence change replaces alanine, which is neutral and non-polar, with serine, which is neutral and polar, at codon 221 of the NSD1 protein (p.Ala221Ser).